The following is an entry in ClinVar:

NM_002204.4(ITGA3):c.1497C>T (p.Tyr499=)

Gene: ITGA3 (integrin subunit alpha 3; plus strand). Cytogenetic location: 17q21.33.
Variant type: single nucleotide variant.
Coding change: c.1497C>T on transcript NM_002204.4 (MANE Select); coding-DNA position 1497, C replaced by T.
Protein change: p.Tyr499=; no amino-acid change (tyrosine 499 retained).
Molecular consequence: synonymous variant.
Genome position (GRCh38, 1-based): chr17:50,075,486, C>T. VCF-style: chr17-50075486-C-T. GRCh37 (hg19) VCF-style: chr17-48152850-C-T.
Identifiers: ClinVar variation 3032102 (VCV003032102.3), dbSNP rs371930319, ClinGen allele CA8641568.

ClinVar aggregate classification (germline): Likely benign. Review status: criteria provided, single submitter (1 of 4 stars). 2 submissions from 2 submitters: Likely benign (1). 1 of the submissions does not count toward it. Last evaluated 2025-09-12.

Conditions:
ITGA3-related disorder. Also called: ITGA3-related condition.

Allele frequency attached by ClinVar (database versions not stated): gnomAD exomes 0.00007; ESP Exome Variant Server 0.00008; gnomAD 0.00012; TOPMed 0.00012; ExAC 0.00030.
gnomAD v4.1: 119 of 1,614,114 alleles (0.0074%); highest among the groups gnomAD compares: Non-Finnish European, 0.0099%; no homozygotes.

Submissions (2):

Labcorp Genetics (formerly Invitae), Labcorp
Classification: Likely benign. Last evaluated: 2025-09-12. Review status: criteria provided, single submitter. Criteria: Invitae Variant Classification Sherloc (09022015). Collection method: clinical testing. Allele origin: germline.

PreventionGenetics, part of Exact Sciences
Classification: Likely benign for ITGA3-related condition. Last evaluated: 2020-08-25. Review status: no assertion criteria provided. Collection method: clinical testing. Allele origin: germline. Not counted in ClinVar's aggregate classification.
Comment: This variant is classified as likely benign based on ACMG/AMP sequence variant interpretation guidelines (Richards et al. 2015 PMID: 25741868, with internal and published modifications).